The following is an entry in ClinVar:

ClinVar aggregate classification (germline): Uncertain significance (1 of 4 stars; one submission).

Conditions:
SYNRG-related disorder. Also called: SYNRG-related condition.

Submission:

PreventionGenetics, part of Exact Sciences
Classification: Uncertain significance for SYNRG-related condition. Last evaluated: 2023-07-12. Review status: criteria provided, single submitter. Criteria: ACMG Guidelines, 2015. Collection method: clinical testing. Allele origin: germline.
Comment: The SYNRG c.372-1G>A variant is predicted to disrupt the AG splice acceptor site and interfere with normal splicing. To our knowledge, this variant has not been reported in the literature or in a large population database, indicating this variant is rare. At this time, the clinical significance of this variant is uncertain due to the absence of conclusive functional and genetic evidence.

NM_007247.6(SYNRG):c.372-1G>A

Gene: SYNRG (synergin gamma; minus strand). Cytogenetic location: 17q12.
Variant type: single nucleotide variant.
Coding change: c.372-1G>A on transcript NM_007247.6 (MANE Select); the canonical splice acceptor site of the intron before coding-DNA position 372, G replaced by A.
Molecular consequence: splice acceptor variant.
Genome position (GRCh38, 1-based): chr17:37,585,431, C>T on the plus strand (G>A on the coding strand, the complement: SYNRG is on the minus strand). VCF-style: chr17-37585431-C-T. GRCh37 (hg19) VCF-style: chr17-35945539-C-T.
Other names: c.369-1G>A (NM_001163545.3); c.372-1G>A (NM_001163547.3, NM_001163546.3, NM_080550.5 and 3 more transcripts).
Identifiers: ClinVar variation 2632370 (VCV002632370.1), dbSNP rs2510458204, ClinGen allele CA398744794.